The following is an entry in ClinVar:

ClinVar aggregate classification (germline): Conflicting classifications of pathogenicity. Review status: criteria provided, conflicting classifications (1 of 4 stars). 9 submissions from 5 submitters: Uncertain significance (4); Likely benign (4). 1 of the submissions does not count toward it. Last evaluated 2025-11-26.

Conditions:
Hypokalemic periodic paralysis, type 2 (HOKPP2). Identifiers: Orphanet 681, MedGen C2750061, MONDO:0013234, OMIM 613345.
Potassium-aggravated myotonia. Also called: MYOTONIA CONGENITA, ACETAZOLAMIDE-RESPONSIVE; MYOTONIA CONGENITA, ATYPICAL; SODIUM CHANNEL MUSCLE DISEASE; Myotonia congenita, atypical, acetazolamide-responsive. Identifiers: Orphanet 612, Orphanet 99734, Orphanet 99735, Orphanet 99736, MedGen C2931826, MONDO:0018959, OMIM 608390.
Hyperkalemic periodic paralysis. Also called: Familial hyperkalemic periodic paralysis; Gamstorp disease. Identifiers: Orphanet 682, MedGen C0238357, MONDO:0008224, OMIM 170500, HP:0007215.
Congenital myasthenic syndrome 16. Identifiers: Orphanet 590, MedGen C3280112, MONDO:0013620, OMIM 614198.
Congenital myopathy 22A, classic (CMYO22A). Identifiers: MedGen C5830453, MONDO:0957247, OMIM 620351.
Congenital myopathy 22B, severe fetal (CMYO22B). Identifiers: MedGen C5830501, MONDO:0957265, OMIM 620369.
Paramyotonia congenita of Von Eulenburg. Also called: PARALYSIS PERIODICA PARAMYOTONICA; Paramyotonia Congenita; Eulenburg disease; Myotonia congenita intermittens; Von Eulenburg paramyotonia congenita. Identifiers: Orphanet 684, MedGen C0221055, MONDO:0008195, OMIM 168300. Disease mechanism: loss of function.

Allele frequency attached by ClinVar (database versions not stated): TOPMed 0.00005; gnomAD exomes 0.00006; 1000 Genomes Project 0.00020; gnomAD 0.00002 and 0.00001; ExAC 0.00005; 1000 Genomes Project 30x 0.00016; ESP Exome Variant Server 0.00008.
gnomAD v4.1: 25 of 1,613,960 alleles (0.0015%); highest among the groups gnomAD compares: Admixed American, 0.023%; no homozygotes.

Submissions (9):

Labcorp Genetics (formerly Invitae), Labcorp
Classification: Uncertain significance for Hyperkalemic periodic paralysis. Last evaluated: 2025-11-26. Review status: criteria provided, single submitter. Criteria: Invitae Variant Classification Sherloc (09022015). Collection method: clinical testing. Allele origin: germline.
Comment: This sequence change replaces glutamic acid, which is acidic and polar, with lysine, which is basic and polar, at codon 1202 of the SCN4A protein (p.Glu1202Lys). This variant is present in population databases (rs201916531, gnomAD 0.03%). This variant has not been reported in the literature in individuals affected with SCN4A-related conditions. ClinVar contains an entry for this variant (Variation ID: 130233). Invitae Evidence Modeling of protein sequence and biophysical properties (such as structural, functional, and spatial information, amino acid conservation, physicochemical variation, residue mobility, and thermodynamic stability) indicates that this missense variant is not expected to disrupt SCN4A protein function with a negative predictive value of 95%. In summary, the available evidence is currently insufficient to determine the role of this variant in disease. Therefore, it has been classified as a Variant of Uncertain Significance.

Fulgent Genetics
Classification: Uncertain significance for Paramyotonia congenita of Von Eulenburg; Hyperkalemic periodic paralysis; Potassium-aggravated myotonia; Hypokalemic periodic paralysis, type 2; Congenital myasthenic syndrome 16; Congenital myopathy 22A, classic; Congenital myopathy 22B, severe fetal. Last evaluated: 2024-04-01. Review status: criteria provided, single submitter. Criteria: ACMG Guidelines, 2015. Collection method: clinical testing. Allele origin: germline.

Revvity Omics, Revvity
Classification: Uncertain significance. Last evaluated: 2023-06-27. Review status: criteria provided, single submitter. Criteria: ACMG Guidelines, 2015. Collection method: clinical testing. Allele origin: germline.

Illumina Laboratory Services, Illumina
Classification: Likely benign for Hyperkalemic periodic paralysis. Last evaluated: 2018-01-13. Review status: criteria provided, single submitter. Criteria: ICSL Variant Classification Criteria 13 December 2019. Collection method: clinical testing. Allele origin: germline.
Comment: This variant was observed in the ICSL laboratory as part of a predisposition screen in an ostensibly healthy population. It had not been previously curated by ICSL or reported in the Human Gene Mutation Database (HGMD: prior to June 1st, 2018), and was therefore a candidate for classification through an automated scoring system. Utilizing variant allele frequency, disease prevalence and penetrance estimates, and inheritance mode, an automated score was calculated to assess if this variant is too frequent to cause the disease. Based on the score and internal cut-off values, a variant classified as likely benign is not then subjected to further curation. The score for this variant resulted in a classification of likely benign for this disease.

Illumina Laboratory Services, Illumina
Classification: Likely benign for Hypokalemic periodic paralysis, type 2. Last evaluated: 2018-01-13. Review status: criteria provided, single submitter. Criteria: ICSL Variant Classification Criteria 13 December 2019. Collection method: clinical testing. Allele origin: germline.
Comment: the same text as in the submission from Illumina Laboratory Services, Illumina above.

Illumina Laboratory Services, Illumina
Classification: Likely benign for Paramyotonia congenita of Von Eulenburg. Last evaluated: 2018-01-13. Review status: criteria provided, single submitter. Criteria: ICSL Variant Classification Criteria 13 December 2019. Collection method: clinical testing. Allele origin: germline.
Comment: the same text as in the submission from Illumina Laboratory Services, Illumina above.

Illumina Laboratory Services, Illumina
Classification: Likely benign for Potassium-aggravated myotonia. Last evaluated: 2018-01-13. Review status: criteria provided, single submitter. Criteria: ICSL Variant Classification Criteria 13 December 2019. Collection method: clinical testing. Allele origin: germline.
Comment: the same text as in the submission from Illumina Laboratory Services, Illumina above.

Illumina Laboratory Services, Illumina
Classification: Uncertain significance for Congenital myasthenic syndrome 16. Last evaluated: 2018-01-13. Review status: criteria provided, single submitter. Criteria: ICSL Variant Classification Criteria 13 December 2019. Collection method: clinical testing. Allele origin: germline.

Genetic Services Laboratory, University of Chicago
Classification: Likely benign for AllHighlyPenetrant. Review status: no assertion criteria provided. Collection method: clinical testing. Allele origin: germline. Inheritance: Autosomal recessive inheritance. Not counted in ClinVar's aggregate classification.
Comment: Likely benign based on allele frequency in 1000 Genomes Project or ESP global frequency and its presence in a patient with a rare or unrelated disease phenotype. NOT Sanger confirmed.

NM_000334.4(SCN4A):c.3604G>A (p.Glu1202Lys)

Genes: SCN4A (sodium voltage-gated channel alpha subunit 4; minus strand), GH-LCR (growth hormone locus control region; plus strand). Cytogenetic location: 17q23.3.
Variant type: single nucleotide variant.
Coding change: c.3604G>A on transcript NM_000334.4 (MANE Select); coding-DNA position 3604, G replaced by A.
Protein change: p.Glu1202Lys; replaces glutamic acid 1202 with lysine.
Molecular consequence: missense variant.
Genome position (GRCh38, 1-based): chr17:63,945,476, C>T on the plus strand (G>A on the coding strand, the complement: SCN4A is on the minus strand). VCF-style: chr17-63945476-C-T. GRCh37 (hg19) VCF-style: chr17-62022836-C-T.
Other names: short protein forms E1202K.
Identifiers: ClinVar variation 130233 (VCV000130233.20), dbSNP rs201916531, ClinGen allele CA155075.